The following is an entry in ClinVar:

NM_006267.5(RANBP2):c.7752T>A (p.Asp2584Glu)

Gene: RANBP2 (RAN binding protein 2; plus strand). Cytogenetic location: 2q13.
Variant type: single nucleotide variant.
Coding change: c.7752T>A on transcript NM_006267.5 (MANE Select); coding-DNA position 7752, T replaced by A.
Protein change: p.Asp2584Glu; replaces aspartic acid 2584 with glutamic acid.
Molecular consequence: missense variant.
Genome position (GRCh38, 1-based): chr2:108,768,291, T>A. VCF-style: chr2-108768291-T-A. GRCh37 (hg19) VCF-style: chr2-109384747-T-A.
Other names: c.7752T>A, p.Asp2584Glu (NM_001415871.1, NM_001415873.1); c.7749T>A, p.Asp2583Glu (NM_001415872.1); short protein forms D2583E, D2584E.
Identifiers: ClinVar variation 3389235 (VCV003389235.15).

ClinVar aggregate classification (germline): Likely benign. Review status: criteria provided, multiple submitters, no conflicts (2 of 4 stars). 2 submissions from 2 submitters: Likely benign (2). Last evaluated 2024-11-01.

gnomAD v4.1: 34 of 1,611,928 alleles (0.0021%); highest among the groups gnomAD compares: Non-Finnish European, 0.0027%; no homozygotes.

Submissions (2):

CeGaT Center for Human Genetics Tuebingen
Classification: Likely benign. Last evaluated: 2024-11-01. Review status: criteria provided, single submitter. Criteria: CeGaT Center For Human Genetics Tuebingen Variant Classification Criteria Version 2. Collection method: clinical testing. Allele origin: germline. Affected: yes. Observed: 1 variant allele.
Comment: RANBP2: BP4

Blueprint Genetics
Classification: Likely benign. Last evaluated: 2024-10-22. Review status: criteria provided, single submitter. Criteria: ACMG Guidelines, 2015. Collection method: clinical testing. Allele origin: germline.